The following is an entry in ClinVar:

ClinVar aggregate classification (germline): Uncertain significance. Review status: criteria provided, multiple submitters, no conflicts (2 of 4 stars). 3 submissions from 3 submitters: Uncertain significance (3). Last evaluated 2025-12-03.

Conditions:
Xanthinuria type II. Also called: Xanthine dehydrogenase and aldehyde oxidase combined deficiency of; XDH and AOX dual deficiency. Identifiers: Orphanet 3467, Orphanet 93602, MedGen C1863688, MONDO:0011346, OMIM 603592.

Allele frequency attached by ClinVar (database versions not stated): TOPMed 0.00002; ESP Exome Variant Server 0.00008.
gnomAD v4.1: 55 of 1,614,114 alleles (0.0034%); highest among the groups gnomAD compares: Non-Finnish European, 0.0046%; no homozygotes.

Submissions (3):

Ambry Genetics
Classification: Uncertain significance. Last evaluated: 2025-12-03. Review status: criteria provided, single submitter. Criteria: Ambry Variant Classification Scheme 2023. Collection method: clinical testing. Allele origin: germline.

Fulgent Genetics
Classification: Uncertain significance for Xanthinuria type II. Last evaluated: 2024-04-25. Review status: criteria provided, single submitter. Criteria: ACMG Guidelines, 2015. Collection method: clinical testing. Allele origin: germline.

Labcorp Genetics (formerly Invitae), Labcorp
Classification: Uncertain significance for Xanthinuria type II. Last evaluated: 2018-03-30. Review status: criteria provided, single submitter. Criteria: Invitae Variant Classification Sherloc (09022015). Collection method: clinical testing. Allele origin: germline.
Comment: In summary, the available evidence is currently insufficient to determine the role of this variant in disease. Therefore, it has been classified as a Variant of Uncertain Significance. Algorithms developed to predict the effect of missense changes on protein structure and function (SIFT, PolyPhen-2, Align-GVGD) all suggest that this variant is likely to be tolerated, but these predictions have not been confirmed by published functional studies and their clinical significance is uncertain. This variant has not been reported in the literature in individuals with MOCOS-related disease. This variant is present in population databases (rs138424306, ExAC 0.002%). This sequence change replaces asparagine with lysine at codon 543 of the MOCOS protein (p.Asn543Lys). The asparagine residue is weakly conserved and there is a moderate physicochemical difference between asparagine and lysine.

NM_017947.4(MOCOS):c.1629C>G (p.Asn543Lys)

Gene: MOCOS (molybdenum cofactor sulfurase; plus strand). Cytogenetic location: 18q12.2.
Variant type: single nucleotide variant.
Coding change: c.1629C>G on transcript NM_017947.4 (MANE Select); coding-DNA position 1629, C replaced by G.
Protein change: p.Asn543Lys; replaces asparagine 543 with lysine.
Molecular consequence: missense variant.
Genome position (GRCh38, 1-based): chr18:36,215,809, C>G. VCF-style: chr18-36215809-C-G. GRCh37 (hg19) VCF-style: chr18-33795772-C-G.
Other names: short protein forms N543K.
Identifiers: ClinVar variation 572421 (VCV000572421.12), dbSNP rs138424306, ClinGen allele CA8940785.